The following is an entry in ClinVar:

NM_000540.3(RYR1):c.534C>A (p.Tyr178Ter)

Gene: RYR1 (ryanodine receptor 1; plus strand). Cytogenetic location: 19q13.2.
Variant type: single nucleotide variant.
Coding change: c.534C>A on transcript NM_000540.3 (MANE Select); coding-DNA position 534, C replaced by A.
Protein change: p.Tyr178Ter; replaces tyrosine 178 with a stop codon.
Molecular consequence: nonsense.
Genome position (GRCh38, 1-based): chr19:38,444,258, C>A. VCF-style: chr19-38444258-C-A. GRCh37 (hg19) VCF-style: chr19-38934898-C-A.
Other names: c.534C>A, p.Tyr178Ter (NM_001042723.2); short protein forms Y178*.
Identifiers: ClinVar variation 5019062 (VCV005019062.2).
Genomic context (GRCh38, chr19:38,444,258, plus strand): 5'-AGGAGAAAAGGTCCGCGTTGGGGATGACATCATCCTTGTCAGTGTCTCCTCCGAGCGCTA[C>A]CTGGTGAGCCATTGCGGTTCCTCCTGCTCCCAGGTCTGGGGGCGCATGGGATGGTCCCCA-3'

ClinVar aggregate classification (germline): Likely pathogenic (1 of 4 stars; one submission).

Conditions:
Congenital multicore myopathy with external ophthalmoplegia (CMYO1B). Also called: MULTICORE MYOPATHY; MULTIMINICORE DISEASE WITH EXTERNAL OPHTHALMOPLEGIA; Congenital myopathy 1B, autosomal recessive; Minicore myopathy; Minicore myopathy with external ophthalmoplegia. Identifiers: Orphanet 598, Orphanet 98905, MedGen C1850674, MONDO:0009712, OMIM 255320, HP:0003789.

Submission:

Juno Genomics, Hangzhou Juno Genomics, Inc
Classification: Likely pathogenic for Congenital multicore myopathy with external ophthalmoplegia. Review status: criteria provided, single submitter. Criteria: ACMG Guidelines, 2015. Collection method: clinical testing. Allele origin: germline.
Comment: Absent from controls (or at extremely low frequency if recessive) in Genome Aggregation Database.;Null variant in a gene where loss of function (LOF) is a known mechanism of disease.